The following is an entry in ClinVar:

ClinVar aggregate classification (germline): Uncertain significance. Review status: criteria provided, multiple submitters, no conflicts (2 of 4 stars). 2 submissions from 2 submitters: Uncertain significance (2). Last evaluated 2026-06-29.

Conditions:
PROM1-related disorder. Also called: PROM1-related condition; PROM1-related disorders.

gnomAD v4.1: 39 of 1,587,942 alleles (0.0025%); highest among the groups gnomAD compares: Non-Finnish European, 0.003%; no homozygotes.

Submissions (2):

PreventionGenetics, part of Exact Sciences
Classification: Uncertain significance for PROM1-related condition. Last evaluated: 2026-06-29. Review status: criteria provided, single submitter. Criteria: ACMG Guidelines, 2015. Collection method: clinical testing. Allele origin: germline.
Comment: The PROM1 c.1498A>G variant is predicted to result in the amino acid substitution p.Ile500Val. To our knowledge, this variant has not been reported in the literature. This variant is present in 0.0030% of alleles in individuals of Latino descent in gnomAD. At this time, the clinical significance of this variant is uncertain due to the absence of conclusive functional and genetic evidence.

Labcorp Genetics (formerly Invitae), Labcorp
Classification: Uncertain significance. Last evaluated: 2025-06-18. Review status: criteria provided, single submitter. Criteria: Invitae Variant Classification Sherloc (09022015). Collection method: clinical testing. Allele origin: germline.
Comment: This sequence change replaces isoleucine, which is neutral and non-polar, with valine, which is neutral and non-polar, at codon 500 of the PROM1 protein (p.Ile500Val). This variant is present in population databases (rs757967655, gnomAD 0.003%). This variant has not been reported in the literature in individuals affected with PROM1-related conditions. ClinVar contains an entry for this variant (Variation ID: 3632990). Invitae Evidence Modeling of protein sequence and biophysical properties (such as structural, functional, and spatial information, amino acid conservation, physicochemical variation, residue mobility, and thermodynamic stability) indicates that this missense variant is not expected to disrupt PROM1 protein function with a negative predictive value of 80%. In summary, the available evidence is currently insufficient to determine the role of this variant in disease. Therefore, it has been classified as a Variant of Uncertain Significance.

NM_006017.3(PROM1):c.1498A>G (p.Ile500Val)

Gene: PROM1 (prominin 1; minus strand). Cytogenetic location: 4p15.32.
Variant type: single nucleotide variant.
Coding change: c.1498A>G on transcript NM_006017.3 (MANE Select); coding-DNA position 1498, A replaced by G.
Protein change: p.Ile500Val; replaces isoleucine 500 with valine.
Molecular consequence: missense variant.
Genome position (GRCh38, 1-based): chr4:16,000,576, T>C on the plus strand (A>G on the coding strand, the complement: PROM1 is on the minus strand). VCF-style: chr4-16000576-T-C. GRCh37 (hg19) VCF-style: chr4-16002199-T-C.
Other names: c.1471A>G, p.Ile491Val (NM_001145847.2, NM_001145848.2, NM_001145851.2 and 4 more transcripts); c.1498A>G, p.Ile500Val (NM_001145849.2, NM_001145850.2); c.1498A>G (NM_006017.2); short protein forms I500V, I491V.
Identifiers: ClinVar variation 3632990 (VCV003632990.3).